The following is an entry in ClinVar:

NM_001105206.3(LAMA4):c.1519A>G (p.Arg507Gly)

Gene: LAMA4 (laminin subunit alpha 4; minus strand). Cytogenetic location: 6q21.
Variant type: single nucleotide variant.
Coding change: c.1519A>G on transcript NM_001105206.3 (MANE Select); coding-DNA position 1519, A replaced by G.
Protein change: p.Arg507Gly; replaces arginine 507 with glycine.
Molecular consequence: missense variant.
Genome position (GRCh38, 1-based): chr6:112,172,643, T>C on the plus strand (A>G on the coding strand, the complement: LAMA4 is on the minus strand). VCF-style: chr6-112172643-T-C. GRCh37 (hg19) VCF-style: chr6-112493845-T-C.
Other names: c.1498A>G, p.Arg500Gly (NM_001105207.3, NM_002290.5); short protein forms R500G, R507G.
Identifiers: ClinVar variation 1443132 (VCV001443132.6), dbSNP rs2114866841, ClinGen allele CA365370509.
Genomic context (GRCh38, chr6:112,172,643, plus strand): 5'-ATGCATTGATGGTGAGTGTCCGCTGTACCTCATGGTCCCGCTGCCTGGCTGCTGTGGCCC[T>C]GTTCATGTCTTCGGCATCCCTGACATAGTTAAGGGCCTGGTCAAGTGCTTCCTGGAGATC-3'
Protein context (NP_001098676.2, residues 497-517): NYVRDAEDMN[Arg507Gly]ATAARQRDHE

ClinVar aggregate classification (germline): Uncertain significance (1 of 4 stars; one submission).

Conditions:
Dilated cardiomyopathy 1JJ (CMD1JJ). Identifiers: Orphanet 154, MedGen C3808935, MONDO:0014095, OMIM 615235.

Submission:

Labcorp Genetics (formerly Invitae), Labcorp
Classification: Uncertain significance for Dilated cardiomyopathy 1JJ. Last evaluated: 2022-09-01. Review status: criteria provided, single submitter. Criteria: Invitae Variant Classification Sherloc (09022015). Collection method: clinical testing. Allele origin: germline.
Comment: In summary, the available evidence is currently insufficient to determine the role of this variant in disease. Therefore, it has been classified as a Variant of Uncertain Significance. Algorithms developed to predict the effect of missense changes on protein structure and function are either unavailable or do not agree on the potential impact of this missense change (SIFT: "Deleterious"; PolyPhen-2: "Benign"; Align-GVGD: "Class C0"). ClinVar contains an entry for this variant (Variation ID: 1443132). This variant has not been reported in the literature in individuals affected with LAMA4-related conditions. This variant is not present in population databases (gnomAD no frequency). This sequence change replaces arginine, which is basic and polar, with glycine, which is neutral and non-polar, at codon 500 of the LAMA4 protein (p.Arg500Gly).